The following is an entry in ClinVar:

NM_001267550.2(TTN):c.11020G>A (p.Gly3674Ser)

Gene: TTN (titin; minus strand). Cytogenetic location: 2q31.2.
Variant type: single nucleotide variant.
Coding change: c.11020G>A on transcript NM_001267550.2 (MANE Select); coding-DNA position 11020, G replaced by A.
Protein change: p.Gly3674Ser; replaces glycine 3674 with serine.
Molecular consequence: missense variant. On other transcripts: intron variant (5).
Genome position (GRCh38, 1-based): chr2:178,756,456, C>T on the plus strand (G>A on the coding strand, the complement: TTN is on the minus strand). VCF-style: chr2-178756456-C-T. GRCh37 (hg19) VCF-style: chr2-179621183-C-T.
Other names: c.10507G>A, p.Gly3503Ser (NM_133437.4); c.10165+2528G>A (NM_003319.4); c.10540+1086G>A (NM_133432.3); c.10303+2528G>A (NM_133378.4, NM_001256850.1, NM_133379.5); short protein forms G3503S, G3674S.
Identifiers: ClinVar variation 2582989 (VCV002582989.26), dbSNP rs752146394, ClinGen allele CA2004003.
Genomic context (GRCh38, chr2:178,756,456, plus strand): 5'-TCCAGGTTACATCAATGAAAGAATCATCTTTTAAAACACAGAGGAATTGAGCCGTGTCAC[C>T]GCACTTTACAGTGACGTCCTGAAGATGCAGGAAAATCTTGGGCGCCTCACCCGTGGACTC-3'
Protein context (NP_001254479.2, residues 3664-3684): LHLQDVTVKC[Gly3674Ser]DTAQFLCVLK

ClinVar aggregate classification (germline): Conflicting classifications of pathogenicity. Review status: criteria provided, conflicting classifications (1 of 4 stars). 2 submissions from 2 submitters: Uncertain significance (1); Likely benign (1). Last evaluated 2025-05-21.

Conditions:
TTN-related disorder. Also called: TTN-related disorders; TTN-related condition; TTN-related disease.

Allele frequency attached by ClinVar (database versions not stated): gnomAD 0.00001; TOPMed 0.00001; ExAC 0.00004; gnomAD exomes 0.00004.
gnomAD v4.1: 64 of 1,613,610 alleles (0.004%); highest among the groups gnomAD compares: Middle Eastern, 0.049%; no homozygotes.

Submissions (2):

PreventionGenetics, part of Exact Sciences
Classification: Uncertain significance for TTN-related condition. Last evaluated: 2025-05-21. Review status: criteria provided, single submitter. Criteria: ACMG Guidelines, 2015. Collection method: clinical testing. Allele origin: germline.
Comment: The TTN c.11020G>A variant is predicted to result in the amino acid substitution p.Gly3674Ser. To our knowledge, this variant has not been reported in the literature. This variant is reported in 0.011% of alleles in individuals of East Asian descent in gnomAD. At this time, the clinical significance of this variant is uncertain due to the absence of conclusive functional and genetic evidence.

CeGaT Center for Human Genetics Tuebingen
Classification: Likely benign. Last evaluated: 2023-09-01. Review status: criteria provided, single submitter. Criteria: CeGaT Center For Human Genetics Tuebingen Variant Classification Criteria Version 2. Collection method: clinical testing. Allele origin: germline. Affected: yes. Observed: 1 variant allele.
Comment: TTN: BP4